The following is an entry in ClinVar:

ClinVar aggregate classification (germline): Conflicting classifications of pathogenicity. Review status: criteria provided, conflicting classifications (1 of 4 stars). 2 submissions from 2 submitters: Uncertain significance (1); Likely benign (1). Last evaluated 2025-10-16.

Conditions:
Inborn genetic diseases. Identifiers: MedGen C0950123, MeSH D030342.

Allele frequency attached by ClinVar (database versions not stated): gnomAD exomes below 0.00001; gnomAD 0.00001.
gnomAD v4.1: 8 of 1,614,114 alleles (0.0005%); highest among the groups gnomAD compares: African/African-American, 0.0053%; no homozygotes.

Submissions (2):

Labcorp Genetics (formerly Invitae), Labcorp
Classification: Uncertain significance. Last evaluated: 2025-10-16. Review status: criteria provided, single submitter. Criteria: Invitae Variant Classification Sherloc (09022015). Collection method: clinical testing. Allele origin: germline.
Comment: This sequence change replaces glutamine, which is neutral and polar, with arginine, which is basic and polar, at codon 199 of the MBD4 protein (p.Gln199Arg). This variant is present in population databases (no rsID available, gnomAD 0.003%). This variant has not been reported in the literature in individuals affected with MBD4-related conditions. ClinVar contains an entry for this variant (Variation ID: 2869960). An algorithm developed to predict the effect of missense changes on protein structure and function outputs the following: PolyPhen-2: "Benign". The arginine amino acid residue is found in multiple mammalian species, which suggests that this missense change does not adversely affect protein function. In summary, the available evidence is currently insufficient to determine the role of this variant in disease. Therefore, it has been classified as a Variant of Uncertain Significance.

Ambry Genetics
Classification: Likely benign for Inborn genetic diseases. Last evaluated: 2025-06-23. Review status: criteria provided, single submitter. Criteria: Ambry Variant Classification Scheme 2023. Collection method: clinical testing. Allele origin: germline.

NM_001276270.2(MBD4):c.596A>G (p.Gln199Arg)

Gene: MBD4 (methyl-CpG binding domain 4, DNA glycosylase; minus strand). Cytogenetic location: 3q21.3.
Variant type: single nucleotide variant.
Coding change: c.596A>G on transcript NM_001276270.2 (MANE Select); coding-DNA position 596, A replaced by G.
Protein change: p.Gln199Arg; replaces glutamine 199 with arginine.
Molecular consequence: missense variant. On other transcripts: intron variant (1).
Genome position (GRCh38, 1-based): chr3:129,437,048, T>C on the plus strand (A>G on the coding strand, the complement: MBD4 is on the minus strand). VCF-style: chr3-129437048-T-C. GRCh37 (hg19) VCF-style: chr3-129155891-T-C.
Other names: c.596A>G, p.Gln199Arg (NM_001276271.2, NM_001276272.2, NM_003925.3); c.247+760A>G (NM_001276273.2); short protein forms Q199R.
Identifiers: ClinVar variation 2869960 (VCV002869960.5), dbSNP rs980127539, ClinGen allele CA82636629.